The following is an entry in ClinVar:

ClinVar aggregate classification (germline): Uncertain significance. Review status: criteria provided, multiple submitters, no conflicts (2 of 4 stars). 2 submissions from 2 submitters: Uncertain significance (2). Last evaluated 2024-08-05.

Conditions:
Diastrophic dysplasia (DTD). Also called: Diastrophic dwarfism. Identifiers: Orphanet 628, MedGen C0220726, MONDO:0009107, OMIM 222600.
Achondrogenesis, type IB (ACG1B). Also called: Achondrogenesis Type 1B. Identifiers: Orphanet 932, Orphanet 93298, MedGen C0265274, MONDO:0010966, OMIM 600972.
Multiple epiphyseal dysplasia type 4 (EDM4). Also called: Multiple Epiphyseal Dysplasia, Recessive; MULTIPLE EPIPHYSEAL DYSPLASIA WITH BILAYERED PATELLAE; MULTIPLE EPIPHYSEAL DYSPLASIA WITH CLUBFOOT; MULTIPLE EPIPHYSEAL DYSPLASIA, AUTOSOMAL RECESSIVE; SLC26A2-Related Multiple Epiphyseal Dysplasia. Identifiers: Orphanet 93307, MedGen C1847593, MONDO:0009189, OMIM 226900.
Atelosteogenesis type II (AO2). Also called: SLC26A2-Related Atelosteogenesis; NEONATAL OSSEOUS DYSPLASIA I; Neonatal osseous dysplasia 1. Identifiers: Orphanet 56304, MedGen C1850554, MONDO:0009727, OMIM 256050.

Submissions (2):

Labcorp Genetics (formerly Invitae), Labcorp
Classification: Uncertain significance for Atelosteogenesis type II; Multiple epiphyseal dysplasia type 4; Achondrogenesis, type IB; Diastrophic dysplasia. Last evaluated: 2024-08-05. Review status: criteria provided, single submitter. Criteria: Invitae Variant Classification Sherloc (09022015). Collection method: clinical testing. Allele origin: germline.
Comment: This variant, c.1020_1022dup, results in the insertion of 1 amino acid(s) of the SLC26A2 protein (p.Val341dup), but otherwise preserves the integrity of the reading frame. This variant is not present in population databases (gnomAD no frequency). This variant has not been reported in the literature in individuals affected with SLC26A2-related conditions. Experimental studies and prediction algorithms are not available or were not evaluated, and the functional significance of this variant is currently unknown. In summary, the available evidence is currently insufficient to determine the role of this variant in disease. Therefore, it has been classified as a Variant of Uncertain Significance.

Laboratory of Inherited Metabolic Diseases, Research centre for medical genetics
Classification: Uncertain significance for Diastrophic dysplasia. Last evaluated: 2022-04-01. Review status: criteria provided, single submitter. Criteria: ACMG Guidelines, 2015. Collection method: clinical testing. Allele origin: inherited. Affected: yes. Observed: 1 variant allele.

NM_000112.4(SLC26A2):c.1011TGT[5] (p.Val341dup)

Gene: SLC26A2 (solute carrier family 26 member 2; plus strand). Cytogenetic location: 5q32.
Variant type: Microsatellite.
Coding change: c.1011TGT[5] on transcript NM_000112.4 (MANE Select); five copies in a row of the 3-base unit TGT starting at c.1011; the reference has four copies in a row; one copy, 3 bases duplicated; also written c.1020_1022dup.
Protein change: p.Val341dup; duplicates valine 341.
Molecular consequence: inframe insertion.
Genome position (GRCh38, 1-based): chr5:149,980,613-149,980,615, TGT duplicated; duplicating any 3 consecutive bases within chr5:149,980,603-149,980,615 gives the same sequence; the position shown is the placement nearest the transcript's 3' end. VCF-style (leftmost placement, unchanged base first): chr5-149980602-C-CTTG. GRCh37 (hg19) VCF-style: chr5-149360165-C-CTTG.
Other names: c.1020_1022dup (NM_000112.4).
Identifiers: ClinVar variation 1683432 (VCV001683432.3), dbSNP rs121908077, ClinGen allele CA917608031.